The following is an entry in ClinVar:

ClinVar aggregate classification (germline): Uncertain significance (1 of 4 stars; one submission).

Conditions:
BCS1L-related disorder. Also called: BCS1L-related disorders; BCS1L-related condition. Identifiers: MedGen CN239240.

Submission:

Myriad Genetics, Inc.
Classification: Uncertain significance for BCS1L-related disorder. Last evaluated: 2025-09-09. Review status: criteria provided, single submitter. Criteria: Myriad Autosomal Dominant, Autosomal Recessive and X-Linked Classification Criteria (2023). Collection method: clinical testing. Allele origin: unknown.
Comment: NM_004328.4(BCS1L):c.719+2dupT is a variant in a canonical splice site classified as a variant of uncertain significance in the context of BCS1L-related disorders. c.719+2dupT has not been observed in cases with relevant disease. Relevant functional assessments of this variant are not available in the literature. c.719+2dupT has been observed in referenced population frequency databases. In summary, there is insufficient evidence to classify NM_004328.4(BCS1L):c.719+2dupT as pathogenic or benign. Please note: this variant was assessed in the context of healthy population screening.

NM_001079866.2(BCS1L):c.719+2dup

Gene: BCS1L (BCS1 ubiquinol-cytochrome c reductase complex chaperone; plus strand). Cytogenetic location: 2q35.
Variant type: Duplication.
Coding change: c.719+2dup on transcript NM_001079866.2 (MANE Select); the canonical splice donor site of the intron after coding-DNA position 719, one base duplicated (T; older notation c.719+2dupT).
Molecular consequence: splice donor variant.
Genome position (GRCh38, 1-based): chr2:218,662,262, T duplicated. VCF-style (leftmost placement, unchanged base first): chr2-218662261-G-GT. GRCh37 (hg19) VCF-style: chr2-219526984-G-GT.
Other names: c.719+2dup (NM_001374085.1, NM_001371446.1, NM_001371450.1 and 10 more transcripts); c.218+2dup (NM_001374086.1, NM_001371454.1, NM_001371453.1 and 3 more transcripts); c.359+2dup (NM_001371451.1, NM_001318836.2).
Identifiers: ClinVar variation 5004157 (VCV005004157.1).